The following is an entry in ClinVar:

NM_006017.3(PROM1):c.1339C>G (p.Leu447Val)

Gene: PROM1 (prominin 1; minus strand). Cytogenetic location: 4p15.32.
Variant type: single nucleotide variant.
Coding change: c.1339C>G on transcript NM_006017.3 (MANE Select); coding-DNA position 1339, C replaced by G.
Protein change: p.Leu447Val; replaces leucine 447 with valine.
Molecular consequence: missense variant.
Genome position (GRCh38, 1-based): chr4:16,006,653, G>C on the plus strand (C>G on the coding strand, the complement: PROM1 is on the minus strand). VCF-style: chr4-16006653-G-C. GRCh37 (hg19) VCF-style: chr4-16008276-G-C.
Other names: c.1312C>G, p.Leu438Val (NM_001145847.2, NM_001145848.2, NM_001145851.2 and 4 more transcripts); c.1339C>G, p.Leu447Val (NM_001145849.2, NM_001145850.2); short protein forms L438V, L447V.
Identifiers: ClinVar variation 859725 (VCV000859725.10), dbSNP rs1277076300, ClinGen allele CA356435531.

ClinVar aggregate classification (germline): Uncertain significance. Review status: criteria provided, multiple submitters, no conflicts (2 of 4 stars). 2 submissions from 2 submitters: Uncertain significance (2). Last evaluated 2023-09-05.

Allele frequency attached by ClinVar (database versions not stated): gnomAD exomes 0.00001; TOPMed 0.00003; gnomAD 0.00005 and 0.00006.
gnomAD v4.1: 51 of 1,612,950 alleles (0.0032%); highest among the groups gnomAD compares: Non-Finnish European, 0.0037%; no homozygotes.

Submissions (2):

Labcorp Genetics (formerly Invitae), Labcorp
Classification: Uncertain significance. Last evaluated: 2023-09-05. Review status: criteria provided, single submitter. Criteria: Invitae Variant Classification Sherloc (09022015). Collection method: clinical testing. Allele origin: germline.
Comment: In summary, the available evidence is currently insufficient to determine the role of this variant in disease. Therefore, it has been classified as a Variant of Uncertain Significance. Advanced modeling of protein sequence and biophysical properties (such as structural, functional, and spatial information, amino acid conservation, physicochemical variation, residue mobility, and thermodynamic stability) performed at Invitae indicates that this missense variant is not expected to disrupt PROM1 protein function. ClinVar contains an entry for this variant (Variation ID: 859725). This variant has not been reported in the literature in individuals affected with PROM1-related conditions. This variant is present in population databases (no rsID available, gnomAD 0.004%). This sequence change replaces leucine, which is neutral and non-polar, with valine, which is neutral and non-polar, at codon 447 of the PROM1 protein (p.Leu447Val).

Blueprint Genetics
Classification: Uncertain significance. Last evaluated: 2020-08-25. Review status: criteria provided, single submitter. Criteria: ACMG Guidelines, 2015. Collection method: clinical testing. Allele origin: germline.